The following is an entry in ClinVar:

ClinVar aggregate classification (germline): Likely benign. Review status: criteria provided, multiple submitters, no conflicts (2 of 4 stars). 2 submissions from 2 submitters: Likely benign (2). Last evaluated 2025-02-12.

Conditions:
NUP205-related disorder. Also called: NUP205-related condition.

Allele frequency attached by ClinVar (database versions not stated): gnomAD 0.00004; gnomAD exomes 0.00004; TOPMed 0.00006; ExAC 0.00008.
gnomAD v4.1: 29 of 1,612,098 alleles (0.0018%); highest among the groups gnomAD compares: Admixed American, 0.049%; no homozygotes.

Submissions (2):

Labcorp Genetics (formerly Invitae), Labcorp
Classification: Likely benign. Last evaluated: 2025-02-12. Review status: criteria provided, single submitter. Criteria: Invitae Variant Classification Sherloc (09022015). Collection method: clinical testing. Allele origin: germline.

PreventionGenetics, part of Exact Sciences
Classification: Likely benign for NUP205-related condition. Last evaluated: 2025-02-03. Review status: criteria provided, single submitter. Criteria: ACMG Guidelines, 2015. Collection method: clinical testing. Allele origin: germline.
Comment: This variant is classified as likely benign based on ACMG/AMP sequence variant interpretation guidelines (Richards et al. 2015 PMID: 25741868, with internal and published modifications).

NM_015135.3(NUP205):c.4491G>T (p.Leu1497=)

Gene: NUP205 (nucleoporin 205; plus strand). Cytogenetic location: 7q33.
Variant type: single nucleotide variant.
Coding change: c.4491G>T on transcript NM_015135.3 (MANE Select); coding-DNA position 4491, G replaced by T.
Protein change: p.Leu1497=; no amino-acid change (leucine 1497 retained).
Molecular consequence: synonymous variant.
Genome position (GRCh38, 1-based): chr7:135,625,175, G>T. VCF-style: chr7-135625175-G-T. GRCh37 (hg19) VCF-style: chr7-135309923-G-T.
Other names: c.3417G>T, p.Leu1139= (NM_001329434.2); c.4491G>T (NM_015135.2).
Identifiers: ClinVar variation 2040866 (VCV002040866.5), dbSNP rs772564421, ClinGen allele CA4498903.
Genomic context (GRCh38, chr7:135,625,175, plus strand): 5'-ATTTTGGTAGCATCTACATGTTTTGGACTTTAATTTATTCTTCCTTCAGATGCTGGCCCT[G>T]GCTCTACTTGATAGAATTGTCTCCGTGGATAAACAGCAGCAGTGGCTTTTGTATCTTTCT-3'
Protein context (NP_055950.2, residues 1487-1507): DGHEIGRMLA[Leu1497=]ALLDRIVSVD